The following is an entry in ClinVar:

NM_001286.5(CLCN6):c.568A>G (p.Ser190Gly)

Gene: CLCN6 (chloride voltage-gated channel 6; plus strand). Cytogenetic location: 1p36.22.
Variant type: single nucleotide variant.
Coding change: c.568A>G on transcript NM_001286.5 (MANE Select); coding-DNA position 568, A replaced by G.
Protein change: p.Ser190Gly; replaces serine 190 with glycine.
Molecular consequence: missense variant. On other transcripts: non-coding transcript variant (1).
Genome position (GRCh38, 1-based): chr1:11,823,821, A>G. VCF-style: chr1-11823821-A-G. GRCh37 (hg19) VCF-style: chr1-11883878-A-G.
Other names: c.502A>G, p.Ser168Gly (NM_001256959.2); short protein forms S168G, S190G.
Identifiers: ClinVar variation 1485150 (VCV001485150.6), dbSNP rs1249961433, ClinGen allele CA338428002.

ClinVar aggregate classification (germline): Uncertain significance (1 of 4 stars; one submission).

Allele frequency attached by ClinVar (database versions not stated): gnomAD exomes 0.00001.
gnomAD v4.1: 3 of 1,614,252 alleles (0.00019%); highest among the groups gnomAD compares: Admixed American, 0.0033%; no homozygotes.

Submission:

Labcorp Genetics (formerly Invitae), Labcorp
Classification: Uncertain significance. Last evaluated: 2025-10-22. Review status: criteria provided, single submitter. Criteria: Invitae Variant Classification Sherloc (09022015). Collection method: clinical testing. Allele origin: germline.
Comment: This sequence change replaces serine, which is neutral and polar, with glycine, which is neutral and non-polar, at codon 190 of the CLCN6 protein (p.Ser190Gly). This variant is present in population databases (no rsID available, gnomAD 0.006%). This variant has not been reported in the literature in individuals affected with CLCN6-related conditions. ClinVar contains an entry for this variant (Variation ID: 1485150). An algorithm developed to predict the effect of missense changes on protein structure and function outputs the following: PolyPhen-2: "Benign". The glycine amino acid residue is found in multiple mammalian species, which suggests that this missense change does not adversely affect protein function. In summary, the available evidence is currently insufficient to determine the role of this variant in disease. Therefore, it has been classified as a Variant of Uncertain Significance.